The following is an entry in ClinVar:

NM_032043.3(BRIP1):c.2459_2460insGCTCTCCCTCTCCCTCTCCCTCTCCCTCTCCCTCCCCCTCCCTCTCCCTCTCCCTCTCCCTCTACCTCCACGGTCTCCCTCTGATGCCGAGCNNNNNNNNNNAAAAAAAAAAAAAAAAAAAAGAAATTCA (p.Ala821fs)

Gene: BRIP1 (BRCA1 interacting DNA helicase 1; minus strand). Cytogenetic location: 17q23.2.
Variant type: Insertion.
Coding change: c.2459_2460insGCTCTCCCTCTCCCTCTCCCTCTCCCTCTCCCTCCCCCTCCCTCTCCCTCTCCCTCTCCCTCTACCTCCACGGTCTCCCTCTGATGCCGAGCNNNNNNNNNNAAAAAAAAAAAAAAAAAAAAGAAATTCA on transcript NM_032043.3 (MANE Select); coding-DNA positions 2459 to 2460, GCTCTCCCTCTCCCTCTCCCTCTCCCTCTCCCTCCCCCTCCCTCTCCCTCTCCCTCTCCCTCTACCTCCACGGTCTCCCTCTGATGCCGAGCNNNNNNNNNNAAAAAAAAAAAAAAAAAAAAGAAATTCA inserted.
Protein change: p.Ala821fs; shifts the reading frame from alanine 821.
Molecular consequence: frameshift variant.
Genome position: GRCh38: chr17:61,715,991-61,715,992. GRCh37 (hg19): chr17:59,793,352-59,793,353.
Other names: short protein forms A821fs.
Identifiers: ClinVar variation 1386473 (VCV001386473.7), dbSNP rs2144380398.

ClinVar aggregate classification (germline): Pathogenic (1 of 4 stars; one submission).

Conditions:
Familial cancer of breast. Also called: BREAST CANCER, FAMILIAL; Hereditary breast cancer; hereditary breast carcinoma. Identifiers: Orphanet 227535, MedGen C0346153, MONDO:0016419, OMIM 114480. Disease mechanism: loss of function.
Fanconi anemia complementation group J. Also called: BRIP1-Related Fanconi Anemia. Identifiers: Orphanet 84, MedGen C1836860, MONDO:0012187, OMIM 609054.

Submission:

Labcorp Genetics (formerly Invitae), Labcorp
Classification: Pathogenic for Familial cancer of breast; Fanconi anemia complementation group J. Last evaluated: 2020-11-10. Review status: criteria provided, single submitter. Criteria: Invitae Variant Classification Sherloc (09022015). Collection method: clinical testing. Allele origin: germline.
Comment: This sequence change inserts a large fragment of DNA, likely a transposable element, in exon 17 of the BRIP1 gene (c.2459_2460ins?), causing a frameshift at codon 820 (p.Gln820fs). The exact size and sequence of the insertion cannot be determined by the current assay. However, the insertion is expected to result in an absent or disrupted protein product. This variant is not present in population databases (ExAC no frequency). This variant has not been reported in the literature in individuals with BRIP1-related conditions. Algorithms developed to predict the effect of sequence changes on RNA splicing suggest that this variant may create or strengthen a splice site, but this prediction has not been confirmed by published transcriptional studies. Retrotransposon insertions including LINE1 (L1), Alu, and SVA (SINE-VNTR-Alu) have been reported to be disease-causing through disruption of either a coding region or splice site (PMID: 19763152, 20307669, 22406018) and loss-of-function variants in BRIP1 are known to be pathogenic (PMID: 16116423, 17033622, 21964575). For these reasons, this variant has been classified as Pathogenic.

Literature cited by the submitters: PubMed 19763152; PubMed 20307669; PubMed 22406018; PubMed 16116423; PubMed 17033622; PubMed 21964575.